The following is an entry in ClinVar:

NM_001365536.1(SCN9A):c.599A>G (p.Tyr200Cys)

Gene: SCN9A (sodium voltage-gated channel alpha subunit 9; minus strand). Cytogenetic location: 2q24.3.
Variant type: single nucleotide variant.
Coding change: c.599A>G on transcript NM_001365536.1 (MANE Select); coding-DNA position 599, A replaced by G.
Protein change: p.Tyr200Cys; replaces tyrosine 200 with cysteine.
Molecular consequence: missense variant.
Genome position (GRCh38, 1-based): chr2:166,304,327, T>C on the plus strand (A>G on the coding strand, the complement: SCN9A is on the minus strand). VCF-style: chr2-166304327-T-C. GRCh37 (hg19) VCF-style: chr2-167160837-T-C.
Other names: c.599A>G, p.Tyr200Cys (NM_002977.4); short protein forms Y200C.
Identifiers: ClinVar variation 1396688 (VCV001396688.9), dbSNP rs200764978, ClinGen allele CA1944744.

ClinVar aggregate classification (germline): Uncertain significance. Review status: criteria provided, multiple submitters, no conflicts (2 of 4 stars). 4 submissions from 4 submitters: Uncertain significance (4). Last evaluated 2025-12-16.

Conditions:
Inborn genetic diseases. Identifiers: MedGen C0950123, MeSH D030342.
Neuropathy, hereditary sensory and autonomic, type 2A (HSAN2A). Also called: ACROOSTEOLYSIS, GIACCAI TYPE; ACROOSTEOLYSIS, NEUROGENIC; MORVAN DISEASE; NEUROPATHY, CONGENITAL SENSORY; NEUROPATHY, HEREDITARY SENSORY RADICULAR, AUTOSOMAL RECESSIVE; NEUROPATHY, HEREDITARY SENSORY, TYPE IIA. Identifiers: Orphanet 970, MedGen C2752089, MONDO:0024309, OMIM 201300.
Generalized epilepsy with febrile seizures plus, type 7 (GEFSP7). Also called: GEFS+, TYPE 7. Identifiers: Orphanet 36387, MedGen C2751778, MONDO:0013470, OMIM 613863.

Allele frequency attached by ClinVar (database versions not stated): gnomAD 0.00002; gnomAD exomes 0.00004 and 0.00010; ExAC 0.00015.
gnomAD v4.1: 63 of 1,610,270 alleles (0.0039%); highest among the groups gnomAD compares: South Asian, 0.066%; no homozygotes.

Submissions (4):

Women's Health and Genetics/Laboratory Corporation of America, LabCorp
Classification: Uncertain significance. Last evaluated: 2025-12-16. Review status: criteria provided, single submitter. Criteria: LabCorp Variant Classification Summary - May 2015. Collection method: clinical testing. Allele origin: germline.
Comment: Variant summary: SCN9A c.599A>G (p.Tyr200Cys) results in a non-conservative amino acid change in the encoded protein sequence. Algorithms developed to predict the effect of missense changes on protein structure and function all suggest that this variant is likely to be disruptive. Consensus agreement among computation tools predict no significant impact on normal splicing. However, these predictions have yet to be confirmed by functional studies. The variant allele was found at a frequency of 9.6e-05 in 249464 control chromosomes. This frequency is not significantly higher than estimated for disease-causing variants in SCN9A, allowing no conclusion about variant significance. To our knowledge, no occurrence of c.599A>G in individuals affected with SCN9A-related conditions and no experimental evidence demonstrating its impact on protein function have been reported. ClinVar contains an entry for this variant (Variation ID: 1396688). Based on the evidence outlined above, the variant was classified as uncertain significance.

Labcorp Genetics (formerly Invitae), Labcorp
Classification: Uncertain significance for Neuropathy, hereditary sensory and autonomic, type 2A; Generalized epilepsy with febrile seizures plus, type 7. Last evaluated: 2025-02-07. Review status: criteria provided, single submitter. Criteria: Invitae Variant Classification Sherloc (09022015). Collection method: clinical testing. Allele origin: germline.
Comment: This sequence change replaces tyrosine, which is neutral and polar, with cysteine, which is neutral and slightly polar, at codon 200 of the SCN9A protein (p.Tyr200Cys). This variant is present in population databases (rs200764978, gnomAD 0.08%). This variant has not been reported in the literature in individuals affected with SCN9A-related conditions. ClinVar contains an entry for this variant (Variation ID: 1396688). An algorithm developed to predict the effect of missense changes on protein structure and function (PolyPhen-2) suggests that this variant is likely to be disruptive. In summary, the available evidence is currently insufficient to determine the role of this variant in disease. Therefore, it has been classified as a Variant of Uncertain Significance.

Ambry Genetics
Classification: Uncertain significance for Inborn genetic diseases. Last evaluated: 2024-09-08. Review status: criteria provided, single submitter. Criteria: Ambry Variant Classification Scheme 2023. Collection method: clinical testing. Allele origin: germline.

Blueprint Genetics
Classification: Uncertain significance. Last evaluated: 2023-09-14. Review status: criteria provided, single submitter. Criteria: ACMG Guidelines, 2015. Collection method: clinical testing. Allele origin: germline.